The following is an entry in ClinVar:

NM_002519.3(NPAT):c.1214A>G (p.His405Arg)

Gene: NPAT (nuclear protein, coactivator of histone transcription; minus strand). Cytogenetic location: 11q22.3.
Variant type: single nucleotide variant.
Coding change: c.1214A>G on transcript NM_002519.3 (MANE Select); coding-DNA position 1214, A replaced by G.
Protein change: p.His405Arg; replaces histidine 405 with arginine.
Molecular consequence: missense variant.
Genome position (GRCh38, 1-based): chr11:108,173,770, T>C on the plus strand (A>G on the coding strand, the complement: NPAT is on the minus strand). VCF-style: chr11-108173770-T-C. GRCh37 (hg19) VCF-style: chr11-108044497-T-C.
Other names: c.1214A>G, p.His405Arg (NM_001321307.1); short protein forms H405R.
Identifiers: ClinVar variation 1751112 (VCV001751112.7), dbSNP rs755763097, ClinGen allele CA6264043.

ClinVar aggregate classification (germline): Uncertain significance. Review status: criteria provided, multiple submitters, no conflicts (2 of 4 stars). 2 submissions from 2 submitters: Uncertain significance (2). Last evaluated 2024-12-16.

Allele frequency attached by ClinVar (database versions not stated): gnomAD exomes 0.00001; gnomAD 0.00003; TOPMed 0.00003; ExAC 0.00004.
gnomAD v4.1: 7 of 1,614,044 alleles (0.00043%); highest among the groups gnomAD compares: Admixed American, 0.005%; no homozygotes.

Submissions (2):

Labcorp Genetics (formerly Invitae), Labcorp
Classification: Uncertain significance. Last evaluated: 2024-12-16. Review status: criteria provided, single submitter. Criteria: Invitae Variant Classification Sherloc (09022015). Collection method: clinical testing. Allele origin: germline.
Comment: This sequence change replaces histidine, which is basic and polar, with arginine, which is basic and polar, at codon 405 of the NPAT protein (p.His405Arg). This variant is present in population databases (rs755763097, gnomAD 0.02%). This variant has not been reported in the literature in individuals affected with NPAT-related conditions. ClinVar contains an entry for this variant (Variation ID: 1751112). An algorithm developed to predict the effect of missense changes on protein structure and function (PolyPhen-2) suggests that this variant is likely to be tolerated. In summary, the available evidence is currently insufficient to determine the role of this variant in disease. Therefore, it has been classified as a Variant of Uncertain Significance.

Ambry Genetics
Classification: Uncertain significance. Last evaluated: 2024-01-14. Review status: criteria provided, single submitter. Criteria: Ambry Variant Classification Scheme 2023. Collection method: clinical testing. Allele origin: germline.
Comment: The p.H405R variant (also known as c.1214A>G), located in coding exon 13 of the NPAT gene, results from an A to G substitution at nucleotide position 1214. The histidine at codon 405 is replaced by arginine, an amino acid with highly similar properties. This amino acid position is conserved. In addition, this alteration is predicted to be tolerated by in silico analysis. Since supporting evidence is limited at this time, the clinical significance of this alteration remains unclear.